The following is an entry in ClinVar:

ClinVar aggregate classification (germline): Benign. Review status: criteria provided, multiple submitters, no conflicts (2 of 4 stars). 5 submissions from 5 submitters: Benign (4). 1 of the submissions does not count toward it. Last evaluated 2026-01-18.

Conditions:
Monogenic diabetes. Identifiers: Orphanet 183625, MedGen C3888631, MONDO:0015967.

Allele frequency attached by ClinVar (database versions not stated): gnomAD 0.00220 and 0.00324; TOPMed 0.00336; ExAC 0.00737; gnomAD exomes 0.00820; 1000 Genomes Project 30x 0.01780; 1000 Genomes Project 0.01977.
gnomAD v4.1: 4,752 of 1,614,164 alleles (0.29%); highest among the groups gnomAD compares: East Asian, 10%; 258 homozygotes.

Submissions (5):

Labcorp Genetics (formerly Invitae), Labcorp
Classification: Benign. Last evaluated: 2026-01-18. Review status: criteria provided, single submitter. Criteria: Invitae Variant Classification Sherloc (09022015). Collection method: clinical testing. Allele origin: germline.

GeneDx
Classification: Benign. Last evaluated: 2018-11-08. Review status: criteria provided, single submitter. Criteria: GeneDx Variant Classification Process June 2021. Collection method: clinical testing. Allele origin: germline. Affected: yes.
Comment: This variant is associated with the following publications: (PMID: 22521316, 17426099, 27398621, 27013732, 27744525, 27334367, 29632382, 31118516, 29941447, 32171037, 33046911)

Personalized Diabetes Medicine Program, University of Maryland School of Medicine
Classification: Benign for Monogenic diabetes. Last evaluated: 2017-05-19. Review status: criteria provided, single submitter. Criteria: ACMG Guidelines, 2015. Collection method: research. Allele origin: unknown. Observed: 2 variant alleles, 1 heterozygote, 1 homozygote. Study: Personalized Diabetes Medicine Program.
Comment: ACMG Criteria:PP3 (9 predictors), BP4 (2 predictors), BS2 (267 cases and 179 controls in an online resource), BS1 (almost 10% MAF in 1000g Asians), BP6 (PreventionGenetics)

PreventionGenetics, part of Exact Sciences
Classification: Benign. Review status: criteria provided, single submitter. Criteria: ACMG Guidelines, 2015. Collection method: clinical testing. Allele origin: germline.

Genetic Services Laboratory, University of Chicago
Classification: Likely benign for AllHighlyPenetrant. Review status: no assertion criteria provided. Collection method: clinical testing. Allele origin: germline. Inheritance: Autosomal dominant inheritance. Not counted in ClinVar's aggregate classification.
Comment: Likely benign based on allele frequency in 1000 Genomes Project or ESP global frequency and its presence in a patient with a rare or unrelated disease phenotype. NOT Sanger confirmed.

NM_001366110.1(PAX4):c.599G>A (p.Arg200His)

Gene: PAX4 (paired box 4; minus strand). Cytogenetic location: 7q32.1.
Variant type: single nucleotide variant.
Coding change: c.599G>A on transcript NM_001366110.1 (MANE Select); coding-DNA position 599, G replaced by A.
Protein change: p.Arg200His; replaces arginine 200 with histidine.
Molecular consequence: missense variant.
Genome position (GRCh38, 1-based): chr7:127,613,496, C>T on the plus strand (G>A on the coding strand, the complement: PAX4 is on the minus strand). VCF-style: chr7-127613496-C-T. GRCh37 (hg19) VCF-style: chr7-127253550-C-T.
Other names: NM_006193.2:c.575G>A; c.599G>A, p.Arg200His (NM_001366111.1); short protein forms R200H.
Identifiers: ClinVar variation 129875 (VCV000129875.19), dbSNP rs2233580, ClinGen allele CA154219.